The following is an entry in ClinVar:

ClinVar aggregate classification (germline): Uncertain significance (1 of 4 stars; one submission).

Conditions:
Familial cancer of breast. Also called: Hereditary breast cancer; hereditary breast carcinoma; BREAST CANCER, FAMILIAL. Identifiers: Orphanet 227535, MedGen C0346153, MONDO:0016419, OMIM 114480. Disease mechanism: loss of function.
Fanconi anemia complementation group J. Also called: BRIP1-Related Fanconi Anemia. Identifiers: Orphanet 84, MedGen C1836860, MONDO:0012187, OMIM 609054.

Submission:

Labcorp Genetics (formerly Invitae), Labcorp
Classification: Uncertain significance for Familial cancer of breast; Fanconi anemia complementation group J. Last evaluated: 2025-04-11. Review status: criteria provided, single submitter. Criteria: Invitae Variant Classification Sherloc (09022015). Collection method: clinical testing. Allele origin: germline.
Comment: This sequence change replaces serine, which is neutral and polar, with proline, which is neutral and non-polar, at codon 622 of the BRIP1 protein (p.Ser622Pro). This variant is not present in population databases (gnomAD no frequency). This variant has not been reported in the literature in individuals affected with BRIP1-related conditions. ClinVar contains an entry for this variant (Variation ID: 1034683). Invitae Evidence Modeling of protein sequence and biophysical properties (such as structural, functional, and spatial information, amino acid conservation, physicochemical variation, residue mobility, and thermodynamic stability) has been performed for this missense variant. However, the output from this modeling did not meet the statistical confidence thresholds required to predict the impact of this variant on BRIP1 protein function. In summary, the available evidence is currently insufficient to determine the role of this variant in disease. Therefore, it has been classified as a Variant of Uncertain Significance.

NM_032043.3(BRIP1):c.1864T>C (p.Ser622Pro)

Gene: BRIP1 (BRCA1 interacting DNA helicase 1; minus strand). Cytogenetic location: 17q23.2.
Variant type: single nucleotide variant.
Coding change: c.1864T>C on transcript NM_032043.3 (MANE Select); coding-DNA position 1864, T replaced by C.
Protein change: p.Ser622Pro; replaces serine 622 with proline.
Molecular consequence: missense variant.
Genome position (GRCh38, 1-based): chr17:61,780,332, A>G on the plus strand (T>C on the coding strand, the complement: BRIP1 is on the minus strand). VCF-style: chr17-61780332-A-G. GRCh37 (hg19) VCF-style: chr17-59857693-A-G.
Other names: short protein forms S622P.
Identifiers: ClinVar variation 1034683 (VCV001034683.9), dbSNP rs2077596367, ClinGen allele CA400480088.
Genomic context (GRCh38, chr17:61,780,332, plus strand): 5'-TAATGATATGATTAGCCTCCAGCTGGATAGTAAATGTAACACCAAGTTCTGACGAAAAGG[A>G]TTTCATTGGTGATAATGTACCAGATGTCAAAACAATGGTCTGAACTTTGCCATTAATATC-3'
Protein context (NP_114432.2, residues 612-632): LTSGTLSPMK[Ser622Pro]FSSELGVTFT